The following is an entry in ClinVar:

ClinVar aggregate classification (germline): Uncertain significance (1 of 4 stars; one submission).

Conditions:
Frontometaphyseal dysplasia (FMD1). Identifiers: Orphanet 1826, MedGen C0265293, MONDO:0015942.
Oto-palato-digital syndrome, type II (OPD2). Also called: FACIOPALATOOSSEOUS SYNDROME; Otopalatodigital Syndrome, Type II; Otopalatodigital Syndrome Type 2 (FLNA-OPD2); OPD II SYNDROME. Identifiers: Orphanet 669, Orphanet 90652, MedGen C1844696, MONDO:0010571, OMIM 304120.
Heterotopia, periventricular, X-linked dominant (PVNH1). Also called: PERIVENTRICULAR NODULAR HETEROTOPIA 4; HETEROTOPIA, PERIVENTRICULAR, 1; PERIVENTRICULAR NODULAR HETEROTOPIA 1; X-linked periventricular heterotopia. Identifiers: Orphanet 2149, Orphanet 82004, MedGen C1848213, MONDO:0010233, OMIM 300049.
Melnick-Needles syndrome (MNS). Also called: Melnick-Needles Syndrome (FLNA-MNS); MELNICK-NEEDLES OSTEODYSPLASTY; OSTEODYSPLASTY OF MELNICK AND NEEDLES. Identifiers: Orphanet 2484, MedGen C0025237, MONDO:0010650, OMIM 309350.

Submission:

Labcorp Genetics (formerly Invitae), Labcorp
Classification: Uncertain significance for Oto-palato-digital syndrome, type II; Periventricular nodular heterotopia 1; Frontometaphyseal dysplasia; Melnick-Needles syndrome. Last evaluated: 2019-10-03. Review status: criteria provided, single submitter. Criteria: Invitae Variant Classification Sherloc (09022015). Collection method: clinical testing. Allele origin: germline.
Comment: This variant results in a copy number gain of the genomic region encompassing the full coding sequence of the FLNA gene. The boundaries of this event are unknown as they extend beyond the assayed region for this gene and therefore may encompass additional genes. As the precise location of this event is unknown, it may be in tandem or it may be located elsewhere in the genome. Similar copy number variants have been observed in individuals with various congenital anomalies (PMID: 18854860). In summary, the available evidence is currently insufficient to determine the role of this variant in disease. Therefore, it has been classified as a Variant of Uncertain Significance.

Literature cited by the submitters: PubMed 18854860.

NC_000023.10:g.(?_153577207)_(153609567_?)dup

Genes: EMD (emerin; plus strand), FLNA (filamin A; minus strand). Cytogenetic location: Xq28.
Variant type: Duplication.
Identifiers: ClinVar variation 655212 (VCV000655212.2).